The following is an entry in ClinVar:

NM_004183.4(BEST1):c.33T>G (p.Asn11Lys)

Gene: BEST1 (bestrophin 1; plus strand). Cytogenetic location: 11q12.3.
Variant type: single nucleotide variant.
Coding change: c.33T>G on transcript NM_004183.4 (MANE Select); coding-DNA position 33, T replaced by G.
Protein change: p.Asn11Lys; replaces asparagine 11 with lysine.
Molecular consequence: missense variant. On other transcripts: non-coding transcript variant (1), intron variant (6).
Genome position (GRCh38, 1-based): chr11:61,951,839, T>G. VCF-style: chr11-61951839-T-G. GRCh37 (hg19) VCF-style: chr11-61719311-T-G.
Other names: c.-29+1412T>G (NM_001139443.3, NM_001300787.2, NM_001440574.1 and 3 more transcripts); c.33T>G, p.Asn11Lys (NM_001363592.2, NM_001440571.1, NM_001440572.1 and 1 more transcripts); short protein forms N11K.
Identifiers: ClinVar variation 432353 (VCV000432353.39), dbSNP rs281865531, ClinGen allele CA380831152.

ClinVar aggregate classification (germline): Likely pathogenic. Review status: criteria provided, multiple submitters, no conflicts (2 of 4 stars). 4 submissions from 4 submitters: Likely pathogenic (3). 1 of the submissions does not count toward it. Last evaluated 2024-11-13.

Conditions:
Retinal dystrophy. Also called: Inherited retinal dystrophy. Identifiers: Orphanet 71862, MedGen C0854723, MeSH D058499, MONDO:0019118, HP:0000556.

Submissions (4):

GeneDx
Classification: Likely pathogenic. Last evaluated: 2024-11-13. Review status: criteria provided, single submitter. Criteria: GeneDx Variant Classification Process June 2021. Collection method: clinical testing. Allele origin: germline. Affected: yes.
Comment: Not observed at significant frequency in large population cohorts (gnomAD); In silico analysis supports that this missense variant has a deleterious effect on protein structure/function; This variant is associated with the following publications: (PMID: 32111077)

Labcorp Genetics (formerly Invitae), Labcorp
Classification: Likely pathogenic. Last evaluated: 2022-10-05. Review status: criteria provided, single submitter. Criteria: Invitae Variant Classification Sherloc (09022015). Collection method: clinical testing. Allele origin: germline.
Comment: ClinVar contains an entry for this variant (Variation ID: 432353). This sequence change replaces asparagine, which is neutral and polar, with lysine, which is basic and polar, at codon 11 of the BEST1 protein (p.Asn11Lys). This variant is not present in population databases (gnomAD no frequency). This missense change has been observed in individual(s) with autosomal dominant Best disease (PMID: 32111077). Advanced modeling of protein sequence and biophysical properties (such as structural, functional, and spatial information, amino acid conservation, physicochemical variation, residue mobility, and thermodynamic stability) performed at Invitae indicates that this missense variant is expected to disrupt BEST1 protein function. Experimental studies have shown that this missense change affects BEST1 function (PMID: 32111077). This variant disrupts the p.Asn11 amino acid residue in BEST1. Other variant(s) that disrupt this residue have been observed in individuals with BEST1-related conditions (PMID: 14517959, 32111077), which suggests that this may be a clinically significant amino acid residue. In summary, the currently available evidence indicates that the variant is pathogenic, but additional data are needed to prove that conclusively. Therefore, this variant has been classified as Likely Pathogenic.

CeGaT Center for Human Genetics Tuebingen
Classification: Likely pathogenic. Last evaluated: 2022-10-01. Review status: criteria provided, single submitter. Criteria: CeGaT Center For Human Genetics Tuebingen Variant Classification Criteria Version 2. Collection method: clinical testing. Allele origin: germline. Affected: yes. Observed: 2 variant alleles.

Institute of Human Genetics, Univ. Regensburg, Univ. Regensburg
Classification: Likely pathogenic for Retinal dystrophy. Last evaluated: 2022-01-01. Review status: no assertion criteria provided. Criteria: ACMG Guidelines, 2015. Collection method: clinical testing. Allele origin: germline. Affected: yes. Not counted in ClinVar's aggregate classification.

Literature cited by the submitters: PubMed 32111077 (cited by Labcorp Genetics (formerly Invitae), Labcorp); PubMed 14517959 (cited by Labcorp Genetics (formerly Invitae), Labcorp).